The following is an entry in ClinVar:

ClinVar aggregate classification (germline): Likely benign. Review status: criteria provided, multiple submitters, no conflicts (2 of 4 stars). 2 submissions from 2 submitters: Likely benign (2). Last evaluated 2018-01-12.

Conditions:
Primary dilated cardiomyopathy (DCM). Also called: Dilated Cardiomyopathy. Identifiers: Orphanet 217604, MedGen C0007193, MeSH D002311, MONDO:0005021, HP:0001644. Inheritance: Various modes of inheritance.

Allele frequency attached by ClinVar (database versions not stated): 1000 Genomes Project 30x 0.00406; 1000 Genomes Project 0.00459; TOPMed 0.01014; gnomAD 0.01081 and 0.01092; gnomAD exomes 0.01440.
gnomAD v4.1: 3,240 of 263,790 alleles (1.2%); highest among the groups gnomAD compares: Non-Finnish European, 1.9%; 32 homozygotes.

Submissions (2):

Illumina Laboratory Services, Illumina
Classification: Likely benign for Primary dilated cardiomyopathy. Last evaluated: 2018-01-12. Review status: criteria provided, single submitter. Criteria: ICSL Variant Classification Criteria 13 December 2019. Collection method: clinical testing. Allele origin: germline.
Comment: This variant was observed in the ICSL laboratory as part of a predisposition screen in an ostensibly healthy population. It had not been previously curated by ICSL or reported in the Human Gene Mutation Database (HGMD: prior to June 1st, 2018), and was therefore a candidate for classification through an automated scoring system. Utilizing variant allele frequency, disease prevalence and penetrance estimates, and inheritance mode, an automated score was calculated to assess if this variant is too frequent to cause the disease. Based on the score and internal cut-off values, a variant classified as likely benign is not then subjected to further curation. The score for this variant resulted in a classification of likely benign for this disease.

Breakthrough Genomics
Classification: Likely benign. Review status: criteria provided, single submitter. Criteria: ACMG Guidelines, 2015. Collection method: not provided. Allele origin: germline. Inheritance: Unknown mechanism. Affected: yes.

NM_014391.3(ANKRD1):c.*366G>A

Gene: ANKRD1 (ankyrin repeat domain 1; minus strand). Cytogenetic location: 10q23.31.
Variant type: single nucleotide variant.
Coding change: c.*366G>A on transcript NM_014391.3 (MANE Select); 366 bases downstream of the stop codon, G replaced by A.
Molecular consequence: 3 prime UTR variant.
Genome position (GRCh38, 1-based): chr10:90,912,500, C>T on the plus strand (G>A on the coding strand, the complement: ANKRD1 is on the minus strand). VCF-style: chr10-90912500-C-T. GRCh37 (hg19) VCF-style: chr10-92672257-C-T.
Identifiers: ClinVar variation 880084 (VCV000880084.5), dbSNP rs17102330, ClinGen allele CA211418700.